The following is an entry in ClinVar:

NM_152564.5(VPS13B):c.1528C>A (p.Arg510Ser)

Gene: VPS13B (vacuolar protein sorting 13 homolog B; plus strand). Cytogenetic location: 8q22.2.
Variant type: single nucleotide variant.
Coding change: c.1528C>A on transcript NM_152564.5 (MANE Select); coding-DNA position 1528, C replaced by A.
Protein change: p.Arg510Ser; replaces arginine 510 with serine.
Molecular consequence: missense variant.
Genome position (GRCh38, 1-based): chr8:99,135,698, C>A. VCF-style: chr8-99135698-C-A. GRCh37 (hg19) VCF-style: chr8-100147926-C-A.
Other names: c.1528C>A, p.Arg510Ser (NM_015243.3, NM_017890.5); short protein forms R510S.
Identifiers: ClinVar variation 1347942 (VCV001347942.3), dbSNP rs139141291, ClinGen allele CA371863323.

ClinVar aggregate classification (germline): Uncertain significance (1 of 4 stars; one submission).

Conditions:
Cohen syndrome (COH1). Also called: Cutis verticis gyrata, retinitis pigmentosa, and sensorineural deafness; PEPPER SYNDROME. Identifiers: Orphanet 193, MedGen C0265223, MONDO:0008999, OMIM 216550.

gnomAD v4.1: 1 of 1,613,320 alleles (0.000062%); no homozygotes.

Submission:

Labcorp Genetics (formerly Invitae), Labcorp
Classification: Uncertain significance for Cohen syndrome. Last evaluated: 2022-06-13. Review status: criteria provided, single submitter. Criteria: Invitae Variant Classification Sherloc (09022015). Collection method: clinical testing. Allele origin: germline.
Comment: This sequence change replaces arginine with serine at codon 510 of the VPS13B protein (p.Arg510Ser). The arginine residue is weakly conserved and there is a moderate physicochemical difference between arginine and serine. This variant is not present in population databases (gnomAD no frequency). This variant has not been reported in the literature in individuals affected with VPS13B-related conditions. Algorithms developed to predict the effect of missense changes on protein structure and function are either unavailable or do not agree on the potential impact of this missense change (SIFT: "Not Available"; PolyPhen-2: "Benign"; Align-GVGD: "Not Available"). In summary, the available evidence is currently insufficient to determine the role of this variant in disease. Therefore, it has been classified as a Variant of Uncertain Significance.